The following is an entry in ClinVar:

NM_170675.5(MEIS2):c.905C>G (p.Pro302Arg)

Gene: MEIS2 (Meis homeobox 2; minus strand). Cytogenetic location: 15q14.
Variant type: single nucleotide variant.
Coding change: c.905C>G on transcript NM_170675.5 (MANE Select); coding-DNA position 905, C replaced by G.
Protein change: p.Pro302Arg; replaces proline 302 with arginine.
Molecular consequence: missense variant.
Genome position (GRCh38, 1-based): chr15:36,950,396, G>C on the plus strand (C>G on the coding strand, the complement: MEIS2 is on the minus strand). VCF-style: chr15-36950396-G-C. GRCh37 (hg19) VCF-style: chr15-37242597-G-C.
Other names: c.905C>G, p.Pro302Arg (NM_001220482.2, NM_170674.5, NM_170676.5 and 1 more transcripts); c.866C>G, p.Pro289Arg (NM_002399.4, NM_172315.3); c.641C>G, p.Pro214Arg (NM_172316.3); short protein forms P214R, P289R, P302R.
Identifiers: ClinVar variation 4879589 (VCV004879589.1).
Genomic context (GRCh38, chr15:36,950,396, plus strand): 5'-TGGAGAATTGTAAGTCCTGTGTCTTGCGCTAACTGTTTCTTCTGCTCTTCGGAAGGGTAC[G>C]GATGCTAATGGAAAAACAAATGTTTTAAAAGATGGATCAGAAGTTAAGAAAGAGTCACTT-3'
Protein context (NP_733775.1, residues 292-312): RAWLFQHLTH[Pro302Arg]YPSEEQKKQL

ClinVar aggregate classification (germline): Pathogenic (1 of 4 stars; one submission).

Conditions:
Cardiac malformation, cleft lip/palate, microcephaly, and digital anomalies. Also called: CLEFT PALATE, CARDIAC DEFECTS, AND IMPAIRED INTELLECTUAL DEVELOPMENT. Identifiers: MedGen C1832950, MONDO:0010970, OMIM 600987.

Submission:

Victorian Clinical Genetics Services, Murdoch Childrens Research Institute
Classification: Pathogenic for Cardiac malformation, cleft lip/palate, microcephaly, and digital anomalies. Last evaluated: 2026-06-16. Review status: criteria provided, single submitter. Criteria: ACMG Guidelines, 2015. Collection method: clinical testing. Allele origin: germline. Affected: yes.
Comment: This variant is classified as Pathogenic. Evidence in support of pathogenic classification: Variant is absent from gnomAD (v2, v3 and v4); Another variant type variant(s) comparable to the one identified in this case has moderate previous evidence for pathogenicity. p.(Pro302Leu) has been classified as likely pathogenic by one clinical laboratory in ClinVar, and is reported in the literature as de novo in one infant and one fetus with MEIS2-related clinical features (PMIDs: 30055086, 39252126). p.(Pro302Thr) has been classified as a VUS by a clinical laboratory in ClinVar. - Variant is located in a hotspot region or cluster of PATHOGENIC variants in the homeobox KN domain (DECIPHER); Missense variant predicted to be damaging by in silico tool(s) or highly conserved with a major amino acid change; Additional information: Variant is predicted to result in a missense amino acid change from Pro to Arg; This variant is heterozygous; This gene is associated with autosomal dominant disease; This variant has no previous evidence of pathogenicity; No published evidence of segregation with disease has been identified for this variant; No published functional evidence has been identified for this variant; Loss of function is a known mechanism of disease in this gene and is associated with cleft palate, cardiac defects, and impaired intellectual development (MIM#600987) (PMID: 30291340). A dominant negative mechanism of disease has also been postulated for variants affecting the homeodomain (PMIDs: 30055086, 25712757).

Literature cited by the submitters: PubMed 30055086; PubMed 39252126; PubMed 30291340; PubMed 25712757.